The following is an entry in ClinVar:

NM_198503.5(KCNT2):c.496G>T (p.Val166Phe)

Gene: KCNT2 (potassium sodium-activated channel subfamily T member 2; minus strand). Cytogenetic location: 1q31.3.
Variant type: single nucleotide variant.
Coding change: c.496G>T on transcript NM_198503.5 (MANE Select); coding-DNA position 496, G replaced by T.
Protein change: p.Val166Phe; replaces valine 166 with phenylalanine.
Molecular consequence: missense variant. On other transcripts: non-coding transcript variant (2).
Genome position (GRCh38, 1-based): chr1:196,467,750, C>A on the plus strand (G>T on the coding strand, the complement: KCNT2 is on the minus strand). VCF-style: chr1-196467750-C-A. GRCh37 (hg19) VCF-style: chr1-196436880-C-A.
Other names: c.496G>T, p.Val166Phe (NM_001287819.3, NM_001287820.3); short protein forms V166F.
Identifiers: ClinVar variation 1310194 (VCV001310194.2), dbSNP rs2148665935, ClinGen allele CA344082132.
Genomic context (GRCh38, chr1:196,467,750, plus strand): 5'-ATTCTATACTTACAATCATATTTTCCAAGGCATGTTTGGCAAGCCAACAGTTCAGAAAGA[C>A]TGGGACAAATAGATTCCTTAAGGAAGGCCAGAATATCTGGAAAACAAAACAAAACAAAAC-3'
Protein context (NP_940905.2, residues 156-176): WPSLRNLFVP[Val166Phe]FLNCWLAKHA

ClinVar aggregate classification (germline): Uncertain significance (1 of 4 stars; one submission).

Submission:

GeneDx
Classification: Uncertain significance. Last evaluated: 2019-08-29. Review status: criteria provided, single submitter. Criteria: GeneDx Variant Classification Process June 2021. Collection method: clinical testing. Allele origin: germline. Affected: yes.
Comment: Not observed in large population cohorts (Lek et al., 2016); In silico analysis, which includes protein predictors and evolutionary conservation, supports a deleterious effect; Has not been previously published as pathogenic or benign to our knowledge; Variants in candidate genes are classified as variants of uncertain significance in accordance with ACMG guidelines (Richards et al., 2015)